The following is an entry in ClinVar:

NM_003396.3(WNT9B):c.919C>T (p.Arg307Trp)

Genes: LRRC37A2 (leucine rich repeat containing 37 member A2), WNT9B (Wnt family member 9B; plus strand). Cytogenetic location: 17q21.32.
Variant type: single nucleotide variant.
Coding change: c.919C>T on transcript NM_003396.3 (MANE Select); coding-DNA position 919, C replaced by T.
Protein change: p.Arg307Trp; replaces arginine 307 with tryptophan.
Molecular consequence: missense variant. On other transcripts: intron variant (1).
Genome position (GRCh38, 1-based): chr17:46,876,563, C>T. VCF-style: chr17-46876563-C-T. GRCh37 (hg19) VCF-style: chr17-44953929-C-T.
Other names: c.904+15C>T (NM_001320458.2); short protein forms R307W.
Identifiers: ClinVar variation 4710394 (VCV004710394.1).
Genomic context (GRCh38, chr17:46,876,563, plus strand): 5'-TCACCCAGCTTCTGCCGGCCCAGCAAGTACTCACCTGGCACAGCAGGTAGGGTGTGCTCC[C>T]GGGAGGCCAGCTGCAGCAGCCTGTGCTGCGGGCGGGGCTATGACACCCAGAGCCGCCTGG-3'
Protein context (NP_003387.1, residues 297-317): SPGTAGRVCS[Arg307Trp]EASCSSLCCG

ClinVar aggregate classification (germline): Uncertain significance (1 of 4 stars; one submission).

gnomAD v4.1: 32 of 1,613,660 alleles (0.002%); highest among the groups gnomAD compares: East Asian, 0.027%; no homozygotes.

Submission:

Labcorp Genetics (formerly Invitae), Labcorp
Classification: Uncertain significance. Last evaluated: 2026-01-14. Review status: criteria provided, single submitter. Criteria: Invitae Variant Classification Sherloc (09022015). Collection method: clinical testing. Allele origin: germline.
Comment: This sequence change replaces arginine, which is basic and polar, with tryptophan, which is neutral and slightly polar, at codon 307 of the WNT9B protein (p.Arg307Trp). This variant is present in population databases (rs146452687, gnomAD 0.009%). This variant has not been reported in the literature in individuals affected with WNT9B-related conditions. An algorithm developed to predict the effect of missense changes on protein structure and function (PolyPhen-2) suggests that this variant is likely to be disruptive. In summary, the available evidence is currently insufficient to determine the role of this variant in disease. Therefore, it has been classified as a Variant of Uncertain Significance.